The following is an entry in ClinVar:

NM_018127.7(ELAC2):c.697_698delinsAA (p.Gly233Lys)

Gene: ELAC2 (elaC ribonuclease Z 2; minus strand). Cytogenetic location: 17p12.
Variant type: Indel.
Coding change: c.697_698delinsAA on transcript NM_018127.7 (MANE Select); coding-DNA positions 697 to 698, GG replaced by AA.
Protein change: p.Gly233Lys; replaces glycine 233 with lysine.
Molecular consequence: missense variant.
Genome position (GRCh38, 1-based): chr17:13,010,653-13,010,654, CC replaced by TT on the plus strand (GG replaced by AA on the coding strand, the reverse complement: ELAC2 is on the minus strand). VCF-style: chr17-13010653-CC-TT. GRCh37 (hg19) VCF-style: chr17-12913970-CC-TT.
Other names: c.577_578delinsAA, p.Gly193Lys (NM_001165962.2); c.697_698delinsAA, p.Gly233Lys (NM_173717.2); short protein forms G193K, G233K.
Identifiers: ClinVar variation 3690098 (VCV003690098.2).

ClinVar aggregate classification (germline): Uncertain significance (1 of 4 stars; one submission).

Conditions:
Combined oxidative phosphorylation defect type 17. Also called: Combined oxidative phosphorylation deficiency 17. Identifiers: Orphanet 369913, MedGen C3809526, MONDO:0014190, OMIM 615440.

Submission:

Labcorp Genetics (formerly Invitae), Labcorp
Classification: Uncertain significance for Combined oxidative phosphorylation defect type 17. Last evaluated: 2024-08-06. Review status: criteria provided, single submitter. Criteria: Invitae Variant Classification Sherloc (09022015). Collection method: clinical testing. Allele origin: germline.
Comment: This sequence change replaces glycine, which is neutral and non-polar, with lysine, which is basic and polar, at codon 233 of the ELAC2 protein (p.Gly233Lys). Information on the frequency of this variant in the gnomAD database is not available, as this variant may be reported differently in the database. This variant has not been reported in the literature in individuals affected with ELAC2-related conditions. An algorithm developed to predict the effect of missense changes on protein structure and function (PolyPhen-2) suggests that this variant is likely to be tolerated. In summary, the available evidence is currently insufficient to determine the role of this variant in disease. Therefore, it has been classified as a Variant of Uncertain Significance.